The following is an entry in ClinVar:

NM_000062.3(SERPING1):c.1374A>C (p.Ala458=)

Gene: SERPING1 (serpin family G member 1; plus strand). Cytogenetic location: 11q12.1.
Variant type: single nucleotide variant.
Coding change: c.1374A>C on transcript NM_000062.3 (MANE Select); coding-DNA position 1374, A replaced by C.
Protein change: p.Ala458=; no amino-acid change (alanine 458 retained).
Molecular consequence: synonymous variant.
Genome position (GRCh38, 1-based): chr11:57,614,452, A>C. VCF-style: chr11-57614452-A-C. GRCh37 (hg19) VCF-style: chr11-57381925-A-C.
Other names: c.1374A>C, p.Ala458= (NM_001032295.2).
Identifiers: ClinVar variation 5039122 (VCV005039122.1).

ClinVar aggregate classification (germline): Likely benign (1 of 4 stars; one submission).

Submission:

CeGaT Center for Human Genetics Tuebingen
Classification: Likely benign. Last evaluated: 2026-08-01. Review status: criteria provided, single submitter. Criteria: CeGaT Center For Human Genetics Tuebingen Variant Classification Criteria Version 2. Collection method: clinical testing. Allele origin: germline. Affected: yes. Observed: 1 variant allele.
Comment: SERPING1: PM2:Supporting, BP4, BP7